The following is an entry in ClinVar:

ClinVar aggregate classification (germline): Uncertain significance (1 of 4 stars; one submission).

Conditions:
Inborn genetic diseases. Identifiers: MedGen C0950123, MeSH D030342.

Allele frequency attached by ClinVar (database versions not stated): ExAC 0.00001; TOPMed 0.00001; gnomAD 0.00001; gnomAD exomes 0.00001.
gnomAD v4.1: 11 of 1,581,628 alleles (0.0007%); highest among the groups gnomAD compares: Non-Finnish European, 0.00094%; no homozygotes.

Submission:

Ambry Genetics
Classification: Uncertain significance for Inborn genetic diseases. Last evaluated: 2026-03-24. Review status: criteria provided, single submitter. Criteria: Ambry Variant Classification Scheme 2023. Collection method: clinical testing. Allele origin: germline.
Comment: The c.2114G>A (p.R705Q) alteration is located in exon 12 (coding exon 12) of the ATP2B1 gene. This alteration results from a G to A substitution at nucleotide position 2114, causing the arginine (R) at amino acid position 705 to be replaced by a glutamine (Q). Based on data from gnomAD, the A allele has an overall frequency of 0.001% (2/226838) total alleles studied. The highest observed frequency was 0.002% (2/105780) of European (non-Finnish) alleles. Based on insufficient or conflicting evidence, the clinical significance of this alteration remains unclear.

NM_001366521.1(ATP2B1):c.2114G>A (p.Arg705Gln)

Gene: ATP2B1 (ATPase plasma membrane Ca2+ transporting 1; minus strand). Cytogenetic location: 12q21.33.
Variant type: single nucleotide variant.
Coding change: c.2114G>A on transcript NM_001366521.1 (MANE Select); coding-DNA position 2114, G replaced by A.
Protein change: p.Arg705Gln; replaces arginine 705 with glutamine.
Molecular consequence: missense variant.
Genome position (GRCh38, 1-based): chr12:89,611,326, C>T on the plus strand (G>A on the coding strand, the complement: ATP2B1 is on the minus strand). VCF-style: chr12-89611326-C-T. GRCh37 (hg19) VCF-style: chr12-90005103-C-T.
Other names: c.2114G>A, p.Arg705Gln (NM_001001323.2, NM_001366520.1, NM_001366522.1 and 12 more transcripts); c.1916G>A, p.Arg639Gln (NM_001366530.1, NM_001413053.1); c.1553G>A, p.Arg518Gln (NM_001366531.1, NM_001366532.1, NM_001413058.1 and 2 more transcripts); c.2075G>A, p.Arg692Gln (NM_001413048.1); c.1973G>A, p.Arg658Gln (NM_001413051.1, NM_001413052.1, NM_001413055.1); c.1871G>A, p.Arg624Gln (NM_001413054.1); c.1859G>A, p.Arg620Gln (NM_001413056.1); c.1661G>A, p.Arg554Gln (NM_001413057.1); short protein forms R518Q, R620Q, R624Q, R705Q, R554Q, R639Q, R658Q, R692Q.
Identifiers: ClinVar variation 2227344 (VCV002227344.3), dbSNP rs779326450, ClinGen allele CA6715359.